The following is an entry in ClinVar:

ClinVar aggregate classification (germline): Uncertain significance (1 of 4 stars; one submission).

Conditions:
Developmental and epileptic encephalopathy, 42 (DEE42A). Also called: DEVELOPMENTAL AND EPILEPTIC ENCEPHALOPATHY 42A; EPILEPTIC ENCEPHALOPATHY, EARLY INFANTILE, 42A; Epileptic encephalopathy, early infantile, 42. Identifiers: MedGen C4310716, MONDO:0014917, OMIM 617106.
Episodic ataxia type 2 (EA2). Also called: CEREBELLAR ATAXIA, PAROXYSMAL, ACETAZOLAMIDE-RESPONSIVE; CEREBELLOPATHY, HEREDITARY PAROXYSMAL; EPISODIC ATAXIA, NYSTAGMUS-ASSOCIATED; ACETAZOLAMIDE-RESPONSIVE HEREDITARY PAROXYSMAL CEREBELLAR ATAXIA; ATAXIA, EPISODIC, WITH NYSTAGMUS; ATAXIA, FAMILIAL PAROXYSMAL. Identifiers: Orphanet 97, MedGen C1720416, MONDO:0007163, OMIM 108500.

Submission:

Labcorp Genetics (formerly Invitae), Labcorp
Classification: Uncertain significance for Developmental and epileptic encephalopathy, 42; Episodic ataxia type 2. Last evaluated: 2020-04-09. Review status: criteria provided, single submitter. Criteria: Invitae Variant Classification Sherloc (09022015). Collection method: clinical testing. Allele origin: germline.
Comment: In summary, the available evidence is currently insufficient to determine the role of this variant in disease. Therefore, it has been classified as a Variant of Uncertain Significance. Algorithms developed to predict the effect of missense changes on protein structure and function are either unavailable or do not agree on the potential impact of this missense change (SIFT: "Deleterious"; PolyPhen-2: "Possibly Damaging"; Align-GVGD: "Class C0"). This variant has not been reported in the literature in individuals with CACNA1A-related conditions. The frequency data for this variant in the population databases is considered unreliable, as metrics indicate insufficient coverage at this position in the ExAC database. This sequence change replaces histidine with tyrosine at codon 2218 of the CACNA1A protein (p.His2218Tyr). The histidine residue is weakly conserved and there is a moderate physicochemical difference between histidine and tyrosine.

NM_001127222.2(CACNA1A):c.6649C>T (p.His2217Tyr)

Gene: CACNA1A (calcium voltage-gated channel subunit alpha1 A; minus strand). Cytogenetic location: 19p13.13.
Variant type: single nucleotide variant.
Coding change: c.6649C>T on transcript NM_001127222.2 (MANE Select); coding-DNA position 6649, C replaced by T.
Protein change: p.His2217Tyr; replaces histidine 2217 with tyrosine.
Molecular consequence: missense variant.
Genome position (GRCh38, 1-based): chr19:13,208,887, G>A on the plus strand (C>T on the coding strand, the complement: CACNA1A is on the minus strand). VCF-style: chr19-13208887-G-A. GRCh37 (hg19) VCF-style: chr19-13319701-G-A.
Other names: c.6667C>T, p.His2223Tyr (NM_000068.4, NM_023035.3); c.6652C>T, p.His2218Tyr (NM_001127221.2); c.6658C>T, p.His2220Tyr (NM_001174080.2); short protein forms H2217Y, H2218Y, H2220Y, H2223Y.
Identifiers: ClinVar variation 1043303 (VCV001043303.9), dbSNP rs2054687055, ClinGen allele CA404330446.